The following is an entry in ClinVar:

NM_001291303.3(FAT4):c.12713C>T (p.Ala4238Val)

Gene: FAT4 (FAT atypical cadherin 4; plus strand). Cytogenetic location: 4q28.1.
Variant type: single nucleotide variant.
Coding change: c.12713C>T on transcript NM_001291303.3 (MANE Select); coding-DNA position 12713, C replaced by T.
Protein change: p.Ala4238Val; replaces alanine 4238 with valine.
Molecular consequence: missense variant.
Genome position (GRCh38, 1-based): chr4:125,481,629, C>T. VCF-style: chr4-125481629-C-T. GRCh37 (hg19) VCF-style: chr4-126402784-C-T.
Other names: c.12707C>T (NM_024582.5); c.12713C>T, p.Ala4238Val (NM_001291285.3); c.12707C>T, p.Ala4236Val (NM_024582.6); short protein forms A4236V, A4238V.
Identifiers: ClinVar variation 749644 (VCV000749644.37), dbSNP rs183396105, ClinGen allele CA3074170.

ClinVar aggregate classification (germline): Likely benign. Review status: criteria provided, multiple submitters, no conflicts (2 of 4 stars). 5 submissions from 5 submitters: Likely benign (5). Last evaluated 2026-06-24.

Conditions:
FAT4-related disorder. Also called: FAT4-related condition.
Hennekam lymphangiectasia-lymphedema syndrome 2 (HKLLS2). Identifiers: Orphanet 2136, MedGen C4014939, MONDO:0014454, OMIM 616006.
Van Maldergem syndrome 2 (VMLDS2). Identifiers: Orphanet 314679, MedGen C3809875, MONDO:0014242, OMIM 615546.

Allele frequency attached by ClinVar (database versions not stated): ExAC 0.00007; gnomAD exomes 0.00007 and 0.00031; 1000 Genomes Project 0.00060; TOPMed 0.00077; gnomAD 0.00087; 1000 Genomes Project 30x 0.00094.
gnomAD v4.1: 236 of 1,613,998 alleles (0.015%); highest among the groups gnomAD compares: Admixed American, 0.39%; 5 homozygotes.

Submissions (5):

PreventionGenetics, part of Exact Sciences
Classification: Likely benign for FAT4-related condition. Last evaluated: 2026-06-24. Review status: criteria provided, single submitter. Criteria: ACMG Guidelines, 2015. Collection method: clinical testing. Allele origin: germline.
Comment: This variant is classified as likely benign based on ACMG/AMP sequence variant interpretation guidelines (Richards et al. 2015 PMID: 25741868, with internal and published modifications).

Labcorp Genetics (formerly Invitae), Labcorp
Classification: Likely benign. Last evaluated: 2026-02-02. Review status: criteria provided, single submitter. Criteria: Invitae Variant Classification Sherloc (09022015). Collection method: clinical testing. Allele origin: germline.

Fulgent Genetics
Classification: Likely benign for Van Maldergem syndrome 2; Hennekam lymphangiectasia-lymphedema syndrome 2. Last evaluated: 2024-02-21. Review status: criteria provided, single submitter. Criteria: ACMG Guidelines, 2015. Collection method: clinical testing. Allele origin: germline.

CeGaT Center for Human Genetics Tuebingen
Classification: Likely benign. Last evaluated: 2023-02-01. Review status: criteria provided, single submitter. Criteria: CeGaT Center For Human Genetics Tuebingen Variant Classification Criteria Version 2. Collection method: clinical testing. Allele origin: germline. Affected: yes. Observed: 1 variant allele.
Comment: FAT4: BP4, BS2

GeneDx
Classification: Likely benign. Last evaluated: 2020-02-25. Review status: criteria provided, single submitter. Criteria: GeneDx Variant Classification Process June 2021. Collection method: clinical testing. Allele origin: germline. Affected: yes.
Comment: Has not been previously published as pathogenic or benign to our knowledge